The following is an entry in ClinVar:

NM_152564.5(VPS13B):c.3142del (p.Ser1048fs)

Gene: VPS13B (vacuolar protein sorting 13 homolog B; plus strand). Cytogenetic location: 8q22.2.
Variant type: Deletion.
Coding change: c.3142del on transcript NM_152564.5 (MANE Select); coding-DNA position 3142, one base deleted (A; older notation c.3142delA).
Protein change: p.Ser1048fs; shifts the reading frame from serine 1048.
Molecular consequence: frameshift variant.
Genome position (GRCh38, 1-based): chr8:99,431,596, A deleted; the last of 2 consecutive A bases (chr8:99,431,595-99,431,596); deleting either gives the same sequence. VCF-style (leftmost placement, unchanged base first): chr8-99431594-GA-G. GRCh37 (hg19) VCF-style: chr8-100443822-GA-G.
Other names: c.3142del, p.Ser1048fs (NM_017890.5); short protein forms S1048fs.
Identifiers: ClinVar variation 3905587 (VCV003905587.10).

ClinVar aggregate classification (germline): Pathogenic (1 of 4 stars; one submission).

Submission:

CeGaT Center for Human Genetics Tuebingen
Classification: Pathogenic. Last evaluated: 2025-09-01. Review status: criteria provided, single submitter. Criteria: CeGaT Center For Human Genetics Tuebingen Variant Classification Criteria Version 2. Collection method: clinical testing. Allele origin: germline. Affected: yes. Observed: 2 variant alleles.
Comment: VPS13B: PVS1, PM2